The following is an entry in ClinVar:

ClinVar aggregate classification (germline): Likely benign. Review status: criteria provided, multiple submitters, no conflicts (2 of 4 stars). 3 submissions from 3 submitters: Likely benign (3). Last evaluated 2026-09-01.

Submissions (3):

CeGaT Center for Human Genetics Tuebingen
Classification: Likely benign. Last evaluated: 2026-09-01. Review status: criteria provided, single submitter. Criteria: CeGaT Center For Human Genetics Tuebingen Variant Classification Criteria Version 2. Collection method: clinical testing. Allele origin: germline. Affected: yes. Observed: 51 variant alleles.
Comment: DMXL2: BS2

Labcorp Genetics (formerly Invitae), Labcorp
Classification: Likely benign. Last evaluated: 2026-01-22. Review status: criteria provided, single submitter. Criteria: Invitae Variant Classification Sherloc (09022015). Collection method: clinical testing. Allele origin: germline.

Mayo Clinic Laboratories, Mayo Clinic
Classification: Likely benign. Last evaluated: 2024-11-26. Review status: criteria provided, single submitter. Criteria: ACMG Guidelines, 2015. Collection method: clinical testing. Allele origin: germline. Observed: 8 variant alleles.
Comment: BP4, BP7

NM_001378457.1(DMXL2):c.88-12_88-3dup

Gene: DMXL2 (Dmx like 2; minus strand). Cytogenetic location: 15q21.2.
Variant type: Duplication.
Coding change: c.88-12_88-3dup on transcript NM_001378457.1 (MANE Select); 12 bases into the intron before coding-DNA position 88 through 3 bases into the intron before coding-DNA position 88, 10 bases duplicated (TTTTTTTTTT; older notation c.88-12_88-3dupTTTTTTTTTT).
Molecular consequence: intron variant.
Genome position (GRCh38, 1-based): chr15:51,576,184-51,576,193, AAAAAAAAAA duplicated on the plus strand (TTTTTTTTTT on the coding strand, the reverse complement: DMXL2 is on the minus strand); duplicating any 10 consecutive bases within chr15:51,576,184-51,576,203 gives the same sequence; the c. name uses the placement nearest the transcript's 3' end. VCF-style (leftmost placement, unchanged base first): chr15-51576183-T-TAAAAAAAAAA. GRCh37 (hg19) VCF-style: chr15-51868380-T-TAAAAAAAAAA.
Other names: p.?; c.88-12_88-3dup (NM_001378460.1, NM_001174117.3, NM_015263.5 and 8 more transcripts).
Identifiers: ClinVar variation 1589998 (VCV001589998.34), dbSNP rs3078066, ClinGen allele CA713625993.